The following is an entry in ClinVar:

ClinVar aggregate classification (germline): Pathogenic (1 of 4 stars; one submission).

Conditions:
Tumor predisposition syndrome 3 (TPDS3). Also called: Glioma susceptibility 9; LONG TELOMERE SYNDROME, POT1-RELATED; POT1 Tumor Predisposition; Melanoma, cutaneous malignant, susceptibility to, 10. Identifiers: Orphanet 618, MedGen C4014476, MONDO:0014368, OMIM 615848.

Submission:

Labcorp Genetics (formerly Invitae), Labcorp
Classification: Pathogenic for Tumor predisposition syndrome 3. Last evaluated: 2024-11-04. Review status: criteria provided, single submitter. Criteria: Invitae Variant Classification Sherloc (09022015). Collection method: clinical testing. Allele origin: germline.
Comment: This sequence change creates a premature translational stop signal (p.Ser309*) in the POT1 gene. It is expected to result in an absent or disrupted protein product. Loss-of-function variants in POT1 are known to be pathogenic (PMID: 32155570). This variant is not present in population databases (gnomAD no frequency). This variant has not been reported in the literature in individuals affected with POT1-related conditions. ClinVar contains an entry for this variant (Variation ID: 844700). For these reasons, this variant has been classified as Pathogenic.

Literature cited by the submitters: PubMed 32155570.

NM_015450.3(POT1):c.926C>G (p.Ser309Ter)

Gene: POT1 (protection of telomeres 1; minus strand). Cytogenetic location: 7q31.33.
Variant type: single nucleotide variant.
Coding change: c.926C>G on transcript NM_015450.3 (MANE Select); coding-DNA position 926, C replaced by G.
Protein change: p.Ser309Ter; replaces serine 309 with a stop codon.
Molecular consequence: nonsense. On other transcripts: non-coding transcript variant (3).
Genome position (GRCh38, 1-based): chr7:124,851,895, G>C on the plus strand (C>G on the coding strand, the complement: POT1 is on the minus strand). VCF-style: chr7-124851895-G-C. GRCh37 (hg19) VCF-style: chr7-124491949-G-C.
Other names: c.533C>G, p.Ser178Ter (NM_001042594.2); short protein forms S178*, S309*.
Identifiers: ClinVar variation 844700 (VCV000844700.8), dbSNP rs746091720, ClinGen allele CA369054321.